The following is an entry in ClinVar:

ClinVar aggregate classification (germline): Conflicting classifications of pathogenicity. Review status: criteria provided, conflicting classifications (1 of 4 stars). 3 submissions from 3 submitters: Uncertain significance (2); Likely benign (1). Last evaluated 2024-06-07.

Conditions:
Otitis media, susceptibility to (OMS). Also called: OTITIS MEDIA, CHRONIC/RECURRENT; COME/ROM. Identifiers: MedGen C1833692, MONDO:0008162, OMIM 166760.

Allele frequency attached by ClinVar (database versions not stated): gnomAD exomes below 0.00001; gnomAD 0.00001; TOPMed 0.00001.
gnomAD v4.1: 7 of 1,613,998 alleles (0.00043%); highest among the groups gnomAD compares: Middle Eastern, 0.016%; no homozygotes.

Submissions (3):

Fulgent Genetics
Classification: Uncertain significance for Otitis media, susceptibility to. Last evaluated: 2024-06-07. Review status: criteria provided, single submitter. Criteria: ACMG Guidelines, 2015. Collection method: clinical testing. Allele origin: germline.

Labcorp Genetics (formerly Invitae), Labcorp
Classification: Uncertain significance. Last evaluated: 2023-11-13. Review status: criteria provided, single submitter. Criteria: Invitae Variant Classification Sherloc (09022015). Collection method: clinical testing. Allele origin: germline.
Comment: This sequence change replaces isoleucine, which is neutral and non-polar, with valine, which is neutral and non-polar, at codon 937 of the A2ML1 protein (p.Ile937Val). This variant is not present in population databases (gnomAD no frequency). This variant has not been reported in the literature in individuals affected with A2ML1-related conditions. ClinVar contains an entry for this variant (Variation ID: 1523221). Algorithms developed to predict the effect of missense changes on protein structure and function output the following: SIFT: "Not Available"; PolyPhen-2: "Benign"; Align-GVGD: "Not Available". The valine amino acid residue is found in multiple mammalian species, which suggests that this missense change does not adversely affect protein function. In summary, the available evidence is currently insufficient to determine the role of this variant in disease. Therefore, it has been classified as a Variant of Uncertain Significance.

Ambry Genetics
Classification: Likely benign. Last evaluated: 2022-01-30. Review status: criteria provided, single submitter. Criteria: Ambry Variant Classification Scheme 2023. Collection method: clinical testing. Allele origin: germline.

NM_144670.6(A2ML1):c.2809A>G (p.Ile937Val)

Gene: A2ML1 (alpha-2-macroglobulin like 1; plus strand). Cytogenetic location: 12p13.31.
Variant type: single nucleotide variant.
Coding change: c.2809A>G on transcript NM_144670.6 (MANE Select); coding-DNA position 2809, A replaced by G.
Protein change: p.Ile937Val; replaces isoleucine 937 with valine.
Molecular consequence: missense variant.
Genome position (GRCh38, 1-based): chr12:8,855,553, A>G. VCF-style: chr12-8855553-A-G. GRCh37 (hg19) VCF-style: chr12-9008149-A-G.
Other names: c.1336A>G, p.Ile446Val (NM_001282424.3); short protein forms I937V, I446V.
Identifiers: ClinVar variation 1523221 (VCV001523221.11), dbSNP rs866812216, ClinGen allele CA232694014.
Genomic context (GRCh38, chr12:8,855,553, plus strand): 5'-TTTCTGCATCTCACAGGAAAGGTGGCATCTGAATCTGTCTCCCTGGAGCTCCCAGTGGAC[A>G]TTGTTCCTGACTCGACCAAGGCTTATGTTACGGTTCTGGGTAAGCAGTTAGAGATTCTTG-3'
Protein context (NP_653271.3, residues 927-947): ESVSLELPVD[Ile937Val]VPDSTKAYVT